The following is an entry in ClinVar:

ClinVar aggregate classification (germline): Uncertain significance (1 of 4 stars; one submission).

gnomAD v4.1: 1 of 1,612,584 alleles (0.000062%); highest among the groups gnomAD compares: Non-Finnish European, 0.000085%; no homozygotes.

Submission:

GeneDx
Classification: Uncertain significance. Last evaluated: 2022-10-13. Review status: criteria provided, single submitter. Criteria: GeneDx Variant Classification Process June 2021. Collection method: clinical testing. Allele origin: germline. Affected: yes.
Comment: Not observed at significant frequency in large population cohorts (gnomAD); In silico analysis supports that this missense variant has a deleterious effect on protein structure/function; Has not been previously published as pathogenic or benign to our knowledge

NM_018136.5(ASPM):c.7476G>T (p.Arg2492Ser)

Gene: ASPM (assembly factor for spindle microtubules; minus strand). Cytogenetic location: 1q31.3.
Variant type: single nucleotide variant.
Coding change: c.7476G>T on transcript NM_018136.5 (MANE Select); coding-DNA position 7476, G replaced by T.
Protein change: p.Arg2492Ser; replaces arginine 2492 with serine.
Molecular consequence: missense variant. On other transcripts: intron variant (1).
Genome position (GRCh38, 1-based): chr1:197,101,775, C>A on the plus strand (G>T on the coding strand, the complement: ASPM is on the minus strand). VCF-style: chr1-197101775-C-A. GRCh37 (hg19) VCF-style: chr1-197070905-C-A.
Other names: c.4066-5611G>T (NM_001206846.2); short protein forms R2492S.
Identifiers: ClinVar variation 2499197 (VCV002499197.1), dbSNP rs2527292843, ClinGen allele CA344018805.